The following is an entry in ClinVar:

NM_018297.4(NGLY1):c.1765A>G (p.Thr589Ala)

Gene: NGLY1 (N-glycanase 1; minus strand). Cytogenetic location: 3p24.2.
Variant type: single nucleotide variant.
Coding change: c.1765A>G on transcript NM_018297.4 (MANE Select); coding-DNA position 1765, A replaced by G.
Protein change: p.Thr589Ala; replaces threonine 589 with alanine.
Molecular consequence: missense variant. On other transcripts: intron variant (1).
Genome position (GRCh38, 1-based): chr3:25,720,038, T>C on the plus strand (A>G on the coding strand, the complement: NGLY1 is on the minus strand). VCF-style: chr3-25720038-T-C. GRCh37 (hg19) VCF-style: chr3-25761529-T-C.
Other names: c.1711A>G, p.Thr571Ala (NM_001145293.2); c.1639A>G, p.Thr547Ala (NM_001145294.2); c.1612-403A>G (NM_001145295.2); short protein forms T547A, T571A, T589A.
Identifiers: ClinVar variation 2050203 (VCV002050203.1), dbSNP rs1035243196, ClinGen allele CA71657290.

ClinVar aggregate classification (germline): Uncertain significance (1 of 4 stars; one submission).

Conditions:
Congenital disorder of deglycosylation (CDDG). Identifiers: MedGen C3808991, MONDO:0031376.

Allele frequency attached by ClinVar (database versions not stated): gnomAD exomes below 0.00001.
gnomAD v4.1: 1 of 1,613,612 alleles (0.000062%); highest among the groups gnomAD compares: East Asian, 0.0022%; no homozygotes.

Submission:

Labcorp Genetics (formerly Invitae), Labcorp
Classification: Uncertain significance for Congenital disorder of deglycosylation. Last evaluated: 2022-01-15. Review status: criteria provided, single submitter. Criteria: Invitae Variant Classification Sherloc (09022015). Collection method: clinical testing. Allele origin: germline.
Comment: This sequence change replaces threonine, which is neutral and polar, with alanine, which is neutral and non-polar, at codon 589 of the NGLY1 protein (p.Thr589Ala). This variant is present in population databases (no rsID available, gnomAD 0.006%). This variant has not been reported in the literature in individuals affected with NGLY1-related conditions. Algorithms developed to predict the effect of missense changes on protein structure and function output the following: SIFT: "Tolerated"; PolyPhen-2: "Benign"; Align-GVGD: "Class C0". The alanine amino acid residue is found in multiple mammalian species, which suggests that this missense change does not adversely affect protein function. In summary, the available evidence is currently insufficient to determine the role of this variant in disease. Therefore, it has been classified as a Variant of Uncertain Significance.